The following is an entry in ClinVar:

NM_002334.4(LRP4):c.2113A>G (p.Asn705Asp)

Gene: LRP4 (LDL receptor related protein 4; minus strand). Cytogenetic location: 11p11.2.
Variant type: single nucleotide variant.
Coding change: c.2113A>G on transcript NM_002334.4 (MANE Select); coding-DNA position 2113, A replaced by G.
Protein change: p.Asn705Asp; replaces asparagine 705 with aspartic acid.
Molecular consequence: missense variant.
Genome position (GRCh38, 1-based): chr11:46,889,513, T>C on the plus strand (A>G on the coding strand, the complement: LRP4 is on the minus strand). VCF-style: chr11-46889513-T-C. GRCh37 (hg19) VCF-style: chr11-46911064-T-C.
Other names: c.2113A>G (NM_002334.3); short protein forms N705D.
Identifiers: ClinVar variation 2057524 (VCV002057524.3), dbSNP rs984063208, ClinGen allele CA221642781.
Genomic context (GRCh38, chr11:46,889,513, plus strand): 5'-GGCAGGCACAGGTGTAGTTCTGGCCACTGGGCAGACACAGGTGCGTGCAGCCTCCGTTGT[T>C]GTCCCCACAGCGGTTTTTCCCTGCTCAAAGAGCCCAGGGCAAGAGGATCAGCGAAGGTCT-3'
Protein context (NP_002325.2, residues 695-715): QPAGKNRCGD[Asn705Asp]NGGCTHLCLP

ClinVar aggregate classification (germline): Uncertain significance. Review status: criteria provided, multiple submitters, no conflicts (2 of 4 stars). 2 submissions from 2 submitters: Uncertain significance (2). Last evaluated 2025-08-21.

Conditions:
Inborn genetic diseases. Identifiers: MedGen C0950123, MeSH D030342.
Cenani-Lenz syndactyly syndrome. Also called: CENANI SYNDACTYLISM; SYNDACTYLY, TYPE VII. Identifiers: Orphanet 3258, MedGen C1859309, MONDO:0008931, OMIM 212780.
Congenital myasthenic syndrome 17. Identifiers: Orphanet 590, MedGen C4225377, MONDO:0014578, OMIM 616304.
Sclerosteosis 2 (SOST2). Identifiers: Orphanet 3152, MedGen C3280402, MONDO:0013679, OMIM 614305.

Allele frequency attached by ClinVar (database versions not stated): gnomAD 0.00001; gnomAD exomes 0.00001; TOPMed 0.00002.
gnomAD v4.1: 12 of 1,613,906 alleles (0.00074%); highest among the groups gnomAD compares: Admixed American, 0.0033%; no homozygotes.

Submissions (2):

Ambry Genetics
Classification: Uncertain significance for Inborn genetic diseases. Last evaluated: 2025-08-21. Review status: criteria provided, single submitter. Criteria: Ambry Variant Classification Scheme 2023. Collection method: clinical testing. Allele origin: germline.

Labcorp Genetics (formerly Invitae), Labcorp
Classification: Uncertain significance for Cenani-Lenz syndactyly syndrome; Sclerosteosis 2; Congenital myasthenic syndrome 17. Last evaluated: 2022-06-26. Review status: criteria provided, single submitter. Criteria: Invitae Variant Classification Sherloc (09022015). Collection method: clinical testing. Allele origin: germline.
Comment: In summary, the available evidence is currently insufficient to determine the role of this variant in disease. Therefore, it has been classified as a Variant of Uncertain Significance. Algorithms developed to predict the effect of missense changes on protein structure and function (SIFT, PolyPhen-2, Align-GVGD) all suggest that this variant is likely to be tolerated. This variant has not been reported in the literature in individuals affected with LRP4-related conditions. This variant is present in population databases (no rsID available, gnomAD 0.006%). This sequence change replaces asparagine, which is neutral and polar, with aspartic acid, which is acidic and polar, at codon 705 of the LRP4 protein (p.Asn705Asp).